The following is an entry in ClinVar:

ClinVar aggregate classification (germline): Uncertain significance. Review status: criteria provided, multiple submitters, no conflicts (2 of 4 stars). 2 submissions from 2 submitters: Uncertain significance (2). Last evaluated 2025-10-18.

Conditions:
Inborn genetic diseases. Identifiers: MedGen C0950123, MeSH D030342.

Allele frequency attached by ClinVar (database versions not stated): ExAC 0.00001; ESP Exome Variant Server 0.00008.

Submissions (2):

Ambry Genetics
Classification: Uncertain significance for Inborn genetic diseases. Last evaluated: 2025-10-18. Review status: criteria provided, single submitter. Criteria: Ambry Variant Classification Scheme 2023. Collection method: clinical testing. Allele origin: germline.

Labcorp Genetics (formerly Invitae), Labcorp
Classification: Uncertain significance. Last evaluated: 2022-08-08. Review status: criteria provided, single submitter. Criteria: Invitae Variant Classification Sherloc (09022015). Collection method: clinical testing. Allele origin: germline.
Comment: This sequence change replaces asparagine, which is neutral and polar, with lysine, which is basic and polar, at codon 482 of the DSG1 protein (p.Asn482Lys). In summary, the available evidence is currently insufficient to determine the role of this variant in disease. Therefore, it has been classified as a Variant of Uncertain Significance. Algorithms developed to predict the effect of missense changes on protein structure and function output the following: SIFT: "Tolerated"; PolyPhen-2: "Benign"; Align-GVGD: "Class C0". The lysine amino acid residue is found in multiple mammalian species, which suggests that this missense change does not adversely affect protein function. This variant has not been reported in the literature in individuals affected with DSG1-related conditions. This variant is present in population databases (rs372186064, gnomAD 0.007%).

NM_001942.4(DSG1):c.1446C>G (p.Asn482Lys)

Gene: DSG1 (desmoglein 1; plus strand). Cytogenetic location: 18q12.1.
Variant type: single nucleotide variant.
Coding change: c.1446C>G on transcript NM_001942.4 (MANE Select); coding-DNA position 1446, C replaced by G.
Protein change: p.Asn482Lys; replaces asparagine 482 with lysine.
Molecular consequence: missense variant.
Genome position (GRCh38, 1-based): chr18:31,339,784, C>G. VCF-style: chr18-31339784-C-G. GRCh37 (hg19) VCF-style: chr18-28919747-C-G.
Other names: c.1446C>G (NM_001942.2); short protein forms N482K.
Identifiers: ClinVar variation 1715649 (VCV001715649.6), dbSNP rs372186064, ClinGen allele CA8926091.